The following is an entry in ClinVar:

NM_007294.4(BRCA1):c.3301dup (p.Ser1101fs)

Genes: BRCA1 (BRCA1 DNA repair associated; minus strand), LOC126862571 (BRD4-independent group 4 enhancer GRCh37_chr17:41243136-41244335; plus strand). Cytogenetic location: 17q21.31.
Variant type: Duplication.
Coding change: c.3301dup on transcript NM_007294.4 (MANE Select); coding-DNA position 3301, one base duplicated (A; older notation c.3301dupA).
Protein change: p.Ser1101fs; shifts the reading frame from serine 1101.
Molecular consequence: frameshift variant. On other transcripts: intron variant (137).
Genome position (GRCh38, 1-based): chr17:43,092,230, T duplicated on the plus strand (A on the coding strand, the reverse complement: BRCA1 is on the minus strand); the first of 2 consecutive T bases (chr17:43,092,230-43,092,231); duplicating either gives the same sequence. VCF-style (leftmost placement, unchanged base first): chr17-43092229-C-CT. GRCh37 (hg19) VCF-style: chr17-41244246-C-CT.
Other names: c.3175dup, p.Ser1059fs (NM_001407691.1, NM_001407649.1, NM_001407670.1 and 11 more transcripts); c.3160dup, p.Ser1054fs (NM_001407692.1, NM_001407750.1, NM_001407751.1 and 29 more transcripts); c.3157dup, p.Ser1053fs (NM_001407747.1, NM_001407748.1, NM_001407749.1 and 20 more transcripts); c.3088dup, p.Ser1030fs (NM_001407853.1, NM_001407915.1, NM_001407571.1 and 9 more transcripts); c.3301dupA (NM_007294.3); c.3091dup, p.Ser1031fs (NM_001407902.1, NM_001407904.1, NM_001407906.1 and 13 more transcripts); c.647-1198dup (NM_001408457.1, NM_001408460.1, NM_001408454.1 and 11 more transcripts); c.521-1198dup (NM_001408505.1, NM_001408503.1, NM_001408504.1); and 43 more; short protein forms S1031fs, S1053fs, S1101fs, S805fs, S973fs, S1030fs, S1059fs, S933fs.
Identifiers: ClinVar variation 2565335 (VCV002565335.4), dbSNP rs2552155255, ClinGen allele CA2580612644.

ClinVar aggregate classification (germline): Pathogenic/Likely pathogenic. Review status: criteria provided, multiple submitters, no conflicts (2 of 4 stars). 3 submissions from 3 submitters: Pathogenic (1); Likely pathogenic (2). Last evaluated 2023-05-03.

Conditions:
Breast-ovarian cancer, familial, susceptibility to, 1 (BROVCA1). Also called: BRCA1 Hereditary Breast and Ovarian Cancer; OVARIAN CANCER, SUSCEPTIBILITY TO. Identifiers: Orphanet 145, MedGen C2676676, MONDO:0011450, OMIM 604370. Disease mechanism: loss of function.
Hereditary cancer-predisposing syndrome. Also called: Hereditary Cancer Syndrome; Hereditary neoplastic syndrome; Neoplastic Syndromes, Hereditary; Tumor predisposition. Identifiers: Orphanet 140162, MedGen C0027672, MeSH D009386, MONDO:0015356.

Submissions (3):

Quest Diagnostics Nichols Institute San Juan Capistrano
Classification: Likely pathogenic. Last evaluated: 2023-05-03. Review status: criteria provided, single submitter. Criteria: Quest Diagnostics criteria. Collection method: clinical testing. Allele origin: unknown.
Comment: This frameshift variant alters the translational reading frame of the BRCA1 mRNA and is predicted to cause the premature termination of BRCA1 protein synthesis. To the best of our knowledge, the variant has not been reported in the published literature. It also has not been reported in large, multi-ethnic general populations. Based on the available information, this variant is classified as likely pathogenic.

Ambry Genetics
Classification: Pathogenic for Hereditary cancer-predisposing syndrome. Last evaluated: 2023-04-06. Review status: criteria provided, single submitter. Criteria: Ambry Variant Classification Scheme 2023. Collection method: clinical testing. Allele origin: germline.
Comment: The c.3301dupA pathogenic mutation, located in coding exon 9 of the BRCA1 gene, results from a duplication of A at nucleotide position 3301, causing a translational frameshift with a predicted alternate stop codon (p.S1101Kfs*2). This variant is considered to be rare based on population cohorts in the Genome Aggregation Database (gnomAD). This alteration is expected to result in loss of function by premature protein truncation or nonsense-mediated mRNA decay. As such, this alteration is interpreted as a disease-causing mutation.

Baylor Genetics
Classification: Likely pathogenic for Breast-ovarian cancer, familial, susceptibility to, 1. Last evaluated: 2022-11-19. Review status: criteria provided, single submitter. Criteria: ACMG Guidelines, 2015. Collection method: clinical testing. Allele origin: unknown.